The following is an entry in ClinVar:

ClinVar aggregate classification (germline): Likely pathogenic. Review status: criteria provided, multiple submitters, no conflicts (2 of 4 stars). 2 submissions from 2 submitters: Likely pathogenic (2). Last evaluated 2025-04-30.

Conditions:
DNAH1-related disorder. Also called: DNAH1-related condition.

gnomAD v4.1: 6 of 1,613,924 alleles (0.00037%); highest among the groups gnomAD compares: Non-Finnish European, 0.00051%; no homozygotes.

Submissions (2):

PreventionGenetics, part of Exact Sciences
Classification: Likely pathogenic for DNAH1-related condition. Last evaluated: 2025-04-30. Review status: criteria provided, single submitter. Criteria: ACMG Guidelines, 2015. Collection method: clinical testing. Allele origin: germline.
Comment: The DNAH1 c.12020G>A variant is predicted to result in premature protein termination (p.Trp4007*). To our knowledge, this variant has not been reported in the literature or in a large population database (gnomAD), indicating this variant is rare. Nonsense variants in DNAH1 are expected to be pathogenic. This variant is interpreted as likely pathogenic.

Mayo Clinic Laboratories, Mayo Clinic
Classification: Likely pathogenic. Last evaluated: 2024-12-18. Review status: criteria provided, single submitter. Criteria: ACMG Guidelines, 2015. Collection method: clinical testing. Allele origin: germline. Observed: 1 variant allele.
Comment: PM2_supporting, PVS1

NM_015512.5(DNAH1):c.12020G>A (p.Trp4007Ter)

Gene: DNAH1 (dynein axonemal heavy chain 1; plus strand). Cytogenetic location: 3p21.1.
Variant type: single nucleotide variant.
Coding change: c.12020G>A on transcript NM_015512.5 (MANE Select); coding-DNA position 12020, G replaced by A.
Protein change: p.Trp4007Ter; replaces tryptophan 4007 with a stop codon.
Molecular consequence: nonsense.
Genome position (GRCh38, 1-based): chr3:52,398,093, G>A. VCF-style: chr3-52398093-G-A. GRCh37 (hg19) VCF-style: chr3-52432109-G-A.
Other names: p.Trp4007*; c.12020G>A (NM_015512.4); short protein forms W4007*.
Identifiers: ClinVar variation 4540886 (VCV004540886.2).